The following is an entry in ClinVar:

ClinVar aggregate classification (germline): Conflicting classifications of pathogenicity. Review status: criteria provided, conflicting classifications (1 of 4 stars). 11 submissions from 6 submitters: Uncertain significance (4); Likely benign (7). Last evaluated 2026-08-24.

Conditions:
TRPV4-related disorder. Also called: TRPV4-related disorders; TRPV4-related condition.
Connective tissue disorder. Also called: Connective tissue disease. Identifiers: MedGen C0009782, MONDO:0003900.
Inborn genetic diseases. Identifiers: MedGen C0950123, MeSH D030342.
Scapuloperoneal spinal muscular atrophy (SPSMA). Also called: Scapuloperoneal Form of Spinal Muscular Atrophy; Scapuloperoneal spinal muscular atrophy, autosomal dominant; Scapuloperoneal Spinal Muscular Atrophy, TRPV4-Related; AMYOTROPHY, NEUROGENIC SCAPULOPERONEAL, NEW ENGLAND TYPE. Identifiers: Orphanet 431255, MedGen C0751335, MONDO:0008408, OMIM 181405.
Neuronopathy, distal hereditary motor, autosomal dominant 8. Also called: NEURONOPATHY, DISTAL HEREDITARY MOTOR, TYPE VIII; NEUROPATHY, DISTAL HEREDITARY MOTOR, TYPE VIII; Autosomal dominant congenital benign spinal muscular atrophy; SPINAL MUSCULAR ATROPHY, CONGENITAL BENIGN, WITH CONTRACTURES. Identifiers: Orphanet 1216, MedGen C1838492, MONDO:0010839, OMIM 600175.
Brachyrachia (short spine dysplasia) (BCYM3). Also called: Autosomal dominant brachyolmia; Brachyolmia, TRPV4-Related; BRACHYRACHIA; Brachyolmia Type 3. Identifiers: Orphanet 93304, MedGen C0432227, MONDO:0007232, OMIM 113500.
Charcot-Marie-Tooth disease axonal type 2C (HMSN2C). Also called: Charcot-Marie-Tooth Disease Type 2, TRPV4-Related (CMT2C); CHARCOT-MARIE-TOOTH DISEASE, AXONAL, AUTOSOMAL DOMINANT, TYPE 2C; Charcot-Marie-Tooth Neuropathy Type 2C. Identifiers: Orphanet 99937, MedGen C1853710, MONDO:0011633, OMIM 606071.
Metatropic dysplasia (MTD). Also called: Metatropic dysplasia, nonlethal dominant; Metatropic Dysplasia, TRPV4-Related; METATROPIC DWARFISM. Identifiers: Orphanet 2635, MedGen C0265281, MONDO:0007986, OMIM 156530.
Spondylometaphyseal dysplasia, Kozlowski type (SMDK). Also called: Spondylometaphyseal Dysplasia, TRPV4-Related (Kozlowski Type); Dysmorphism arthrogryposis skeletal maturation advanced; Jequier-Kozlowski syndrome; Skeletal dysplasia Jequier-Kozlowski type; SMD Kozlowski type. Identifiers: Orphanet 93314, MedGen C0265280, MONDO:0008477, OMIM 184252.

Allele frequency attached by ClinVar (database versions not stated): ExAC 0.00003; gnomAD exomes 0.00004; gnomAD 0.00006; TOPMed 0.00006; ESP Exome Variant Server 0.00015.

Submissions (11):

PreventionGenetics, part of Exact Sciences
Classification: Uncertain significance for TRPV4-related condition. Last evaluated: 2026-08-24. Review status: criteria provided, single submitter. Criteria: ACMG Guidelines, 2015. Collection method: clinical testing. Allele origin: germline.
Comment: The TRPV4 c.2605G>A variant is predicted to result in the amino acid substitution p.Ala869Thr. To our knowledge, this variant has not been reported in the literature. This variant is reported in 0.0080% of alleles in individuals of African descent in gnomAD. At this time, the clinical significance of this variant is uncertain due to the absence of conclusive functional and genetic evidence.

Labcorp Genetics (formerly Invitae), Labcorp
Classification: Uncertain significance for Charcot-Marie-Tooth disease axonal type 2C. Last evaluated: 2025-11-09. Review status: criteria provided, single submitter. Criteria: Invitae Variant Classification Sherloc (09022015). Collection method: clinical testing. Allele origin: germline.
Comment: This sequence change replaces alanine, which is neutral and non-polar, with threonine, which is neutral and polar, at codon 869 of the TRPV4 protein (p.Ala869Thr). This variant is present in population databases (rs138396764, gnomAD 0.008%). This missense change has been observed in individual(s) with clinical features of TRPV4-related conditions (internal data). ClinVar contains an entry for this variant (Variation ID: 216733). Invitae Evidence Modeling of protein sequence and biophysical properties (such as structural, functional, and spatial information, amino acid conservation, physicochemical variation, residue mobility, and thermodynamic stability) indicates that this missense variant is not expected to disrupt TRPV4 protein function with a negative predictive value of 95%. In summary, the available evidence is currently insufficient to determine the role of this variant in disease. Therefore, it has been classified as a Variant of Uncertain Significance.

Ambry Genetics
Classification: Likely benign for Inborn genetic diseases. Last evaluated: 2022-11-14. Review status: criteria provided, single submitter. Criteria: Ambry Variant Classification Scheme 2023. Collection method: clinical testing. Allele origin: germline.

GeneDx
Classification: Likely benign. Last evaluated: 2022-10-24. Review status: criteria provided, single submitter. Criteria: GeneDx Variant Classification Process June 2021. Collection method: clinical testing. Allele origin: germline. Affected: yes.
Comment: See Variant Classification Assertion Criteria.

Genome Diagnostics Laboratory, The Hospital for Sick Children
Classification: Uncertain significance for Connective tissue disorder. Last evaluated: 2022-01-28. Review status: criteria provided, single submitter. Criteria: ACMG Guidelines, 2015. Collection method: clinical testing. Allele origin: germline.

Illumina Laboratory Services, Illumina
Classification: Likely benign for Brachyrachia (short spine dysplasia). Last evaluated: 2018-01-12. Review status: criteria provided, single submitter. Criteria: ICSL Variant Classification Criteria 13 December 2019. Collection method: clinical testing. Allele origin: germline.
Comment: This variant was observed in the ICSL laboratory as part of a predisposition screen in an ostensibly healthy population. It had not been previously curated by ICSL or reported in the Human Gene Mutation Database (HGMD: prior to June 1st, 2018), and was therefore a candidate for classification through an automated scoring system. Utilizing variant allele frequency, disease prevalence and penetrance estimates, and inheritance mode, an automated score was calculated to assess if this variant is too frequent to cause the disease. Based on the score and internal cut-off values, a variant classified as likely benign is not then subjected to further curation. The score for this variant resulted in a classification of likely benign for this disease.

Illumina Laboratory Services, Illumina
Classification: Likely benign for Scapuloperoneal spinal muscular atrophy. Last evaluated: 2018-01-12. Review status: criteria provided, single submitter. Criteria: ICSL Variant Classification Criteria 13 December 2019. Collection method: clinical testing. Allele origin: germline.
Comment: the same text as in the submission from Illumina Laboratory Services, Illumina above.

Illumina Laboratory Services, Illumina
Classification: Uncertain significance for Charcot-Marie-Tooth disease axonal type 2C. Last evaluated: 2018-01-12. Review status: criteria provided, single submitter. Criteria: ICSL Variant Classification Criteria 13 December 2019. Collection method: clinical testing. Allele origin: germline.

Illumina Laboratory Services, Illumina
Classification: Likely benign for Metatropic dysplasia. Last evaluated: 2018-01-12. Review status: criteria provided, single submitter. Criteria: ICSL Variant Classification Criteria 13 December 2019. Collection method: clinical testing. Allele origin: germline.
Comment: the same text as in the submission from Illumina Laboratory Services, Illumina above.

Illumina Laboratory Services, Illumina
Classification: Likely benign for Spondylometaphyseal dysplasia, Kozlowski type. Last evaluated: 2018-01-12. Review status: criteria provided, single submitter. Criteria: ICSL Variant Classification Criteria 13 December 2019. Collection method: clinical testing. Allele origin: germline.
Comment: the same text as in the submission from Illumina Laboratory Services, Illumina above.

Illumina Laboratory Services, Illumina
Classification: Likely benign for Neuronopathy, distal hereditary motor, autosomal dominant 8. Last evaluated: 2018-01-12. Review status: criteria provided, single submitter. Criteria: ICSL Variant Classification Criteria 13 December 2019. Collection method: clinical testing. Allele origin: germline.
Comment: the same text as in the submission from Illumina Laboratory Services, Illumina above.

NM_021625.5(TRPV4):c.2605G>A (p.Ala869Thr)

Gene: TRPV4 (transient receptor potential cation channel subfamily V member 4; minus strand). Cytogenetic location: 12q24.11.
Variant type: single nucleotide variant.
Coding change: c.2605G>A on transcript NM_021625.5 (MANE Select); coding-DNA position 2605, G replaced by A.
Protein change: p.Ala869Thr; replaces alanine 869 with threonine.
Molecular consequence: missense variant.
Genome position (GRCh38, 1-based): chr12:109,783,632, C>T on the plus strand (G>A on the coding strand, the complement: TRPV4 is on the minus strand). VCF-style: chr12-109783632-C-T. GRCh37 (hg19) VCF-style: chr12-110221437-C-T.
Other names: c.2464G>A, p.Ala822Thr (NM_001177428.2); c.2503G>A, p.Ala835Thr (NM_001177431.2); c.2284G>A, p.Ala762Thr (NM_001177433.2); c.2425G>A, p.Ala809Thr (NM_147204.3); short protein forms A869T, A762T, A809T, A822T, A835T.
Identifiers: ClinVar variation 216733 (VCV000216733.18), dbSNP rs138396764, ClinGen allele CA337233.